The following is an entry in ClinVar:

NM_006231.4(POLE):c.5860_5861delinsTT (p.Asp1954Phe)

Gene: POLE (DNA polymerase epsilon, catalytic subunit; minus strand). Cytogenetic location: 12q24.33.
Variant type: Indel.
Coding change: c.5860_5861delinsTT on transcript NM_006231.4 (MANE Select); coding-DNA positions 5860 to 5861, GA replaced by TT.
Protein change: p.Asp1954Phe; replaces aspartic acid 1954 with phenylalanine.
Molecular consequence: missense variant.
Genome position (GRCh38, 1-based): chr12:132,634,329-132,634,330, TC replaced by AA on the plus strand (GA replaced by TT on the coding strand, the reverse complement: POLE is on the minus strand). VCF-style: chr12-132634329-TC-AA. GRCh37 (hg19) VCF-style: chr12-133210915-TC-AA.
Other names: c.5860_5861delGAinsTT (NM_006231.2, NM_006231.3); short protein forms D1954F.
Identifiers: ClinVar variation 540801 (VCV000540801.12), dbSNP rs1555221216, ClinGen allele CA658798016.
Genomic context (GRCh38, chr12:132,634,329, plus strand): 5'-TCCTCCACGTTGGATTCCTCCGCCTCTTCCTCCTCCTCCCCATCTCTTTCCTCCTCATCG[TC>AA]CTCATTTTCCTGCTCATCCTCTGCTCCCCCTGCTTTCTGGGAGTCTTGCTGTAACACATG-3'
Protein context (NP_006222.2, residues 1944-1964): GGAEDEQENE[Asp1954Phe]DEEERDGEEE

ClinVar aggregate classification (germline): Uncertain significance. Review status: criteria provided, multiple submitters, no conflicts (2 of 4 stars). 3 submissions from 3 submitters: Uncertain significance (3). Last evaluated 2025-10-13.

Conditions:
Hereditary cancer-predisposing syndrome. Also called: Neoplastic Syndromes, Hereditary; Hereditary Cancer Syndrome; Hereditary neoplastic syndrome; Tumor predisposition. Identifiers: Orphanet 140162, MedGen C0027672, MeSH D009386, MONDO:0015356.

Submissions (3):

Labcorp Genetics (formerly Invitae), Labcorp
Classification: Uncertain significance. Last evaluated: 2025-10-13. Review status: criteria provided, single submitter. Criteria: Invitae Variant Classification Sherloc (09022015). Collection method: clinical testing. Allele origin: germline.
Comment: This sequence change replaces aspartic acid, which is acidic and polar, with phenylalanine, which is neutral and non-polar, at codon 1954 of the POLE protein (p.Asp1954Phe). This variant is present in population databases (no rsID available, gnomAD 0.001%). This variant has not been reported in the literature in individuals affected with POLE-related conditions. ClinVar contains an entry for this variant (Variation ID: 540801). An algorithm developed to predict the effect of missense changes on protein structure and function (PolyPhen-2) suggests that this variant is likely to be tolerated. In summary, the available evidence is currently insufficient to determine the role of this variant in disease. Therefore, it has been classified as a Variant of Uncertain Significance.

Ambry Genetics
Classification: Uncertain significance for Hereditary cancer-predisposing syndrome. Last evaluated: 2025-01-19. Review status: criteria provided, single submitter. Criteria: Ambry Variant Classification Scheme 2023. Collection method: clinical testing. Allele origin: germline.
Comment: The c.5860_5861delGAinsTT variant, located in coding exon 43 of the POLE gene, results from an in-frame deletion of GA and insertion of TT at nucleotide positions 5860 to 5861. This results in the substitution of the aspartic acid residue for a phenylalanine residue at codon 1954, an amino acid with highly dissimilar properties. This amino acid position is not well conserved in available vertebrate species. Based on the available evidence, the clinical significance of this variant remains unclear.

GeneDx
Classification: Uncertain significance. Last evaluated: 2023-09-25. Review status: criteria provided, single submitter. Criteria: GeneDx Variant Classification Process June 2021. Collection method: clinical testing. Allele origin: germline. Affected: yes.
Comment: Not observed at a significant frequency in large population cohorts (gnomAD); In silico analysis supports a deleterious effect on protein structure/function; Has not been previously published as pathogenic or benign to our knowledge